The following is an entry in ClinVar:

NM_004370.6(COL12A1):c.1381G>A (p.Ala461Thr)

Gene: COL12A1 (collagen type XII alpha 1 chain; minus strand). Cytogenetic location: 6q13.
Variant type: single nucleotide variant.
Coding change: c.1381G>A on transcript NM_004370.6 (MANE Select); coding-DNA position 1381, G replaced by A.
Protein change: p.Ala461Thr; replaces alanine 461 with threonine.
Molecular consequence: missense variant. On other transcripts: intron variant (2).
Genome position (GRCh38, 1-based): chr6:75,183,560, C>T on the plus strand (G>A on the coding strand, the complement: COL12A1 is on the minus strand). VCF-style: chr6-75183560-C-T. GRCh37 (hg19) VCF-style: chr6-75893276-C-T.
Other names: c.1381G>A, p.Ala461Thr (NM_001424113.1, NM_001424114.1, NM_001424115.1); c.73+19160G>A (NM_001424116.1, NM_080645.3); short protein forms A461T.
Identifiers: ClinVar variation 2953837 (VCV002953837.3), dbSNP rs34730529, ClinGen allele CA364770800.

ClinVar aggregate classification (germline): Uncertain significance (1 of 4 stars; one submission).

Conditions:
Ullrich congenital muscular dystrophy 2 (UCMD2). Identifiers: Orphanet 75840, MedGen C4225314, MONDO:0014654, OMIM 616470.
Bethlem myopathy 2 (BTHLM2). Identifiers: Orphanet 536516, Orphanet 610, MedGen C4225313, MONDO:0034022, OMIM 616471.

Submission:

Labcorp Genetics (formerly Invitae), Labcorp
Classification: Uncertain significance for Bethlem myopathy 2; Ullrich congenital muscular dystrophy 2. Last evaluated: 2023-11-13. Review status: criteria provided, single submitter. Criteria: Invitae Variant Classification Sherloc (09022015). Collection method: clinical testing. Allele origin: germline.
Comment: This sequence change replaces alanine, which is neutral and non-polar, with threonine, which is neutral and polar, at codon 461 of the COL12A1 protein (p.Ala461Thr). This variant is not present in population databases (gnomAD no frequency). This variant has not been reported in the literature in individuals affected with COL12A1-related conditions. Advanced modeling of protein sequence and biophysical properties (such as structural, functional, and spatial information, amino acid conservation, physicochemical variation, residue mobility, and thermodynamic stability) performed at Invitae indicates that this missense variant is not expected to disrupt COL12A1 protein function with a negative predictive value of 80%. In summary, the available evidence is currently insufficient to determine the role of this variant in disease. Therefore, it has been classified as a Variant of Uncertain Significance.